The following is an entry in ClinVar:

NM_001375765.1(GIGYF1):c.2052+2T>C

Gene: GIGYF1 (GRB10 interacting GYF protein 1; minus strand). Cytogenetic location: 7q22.1.
Variant type: single nucleotide variant.
Coding change: c.2052+2T>C on transcript NM_001375765.1 (MANE Select); the canonical splice donor site of the intron after coding-DNA position 2052, T replaced by C.
Molecular consequence: splice donor variant.
Genome position (GRCh38, 1-based): chr7:100,683,548, A>G on the plus strand (T>C on the coding strand, the complement: GIGYF1 is on the minus strand). VCF-style: chr7-100683548-A-G. GRCh37 (hg19) VCF-style: chr7-100281171-A-G.
Other names: NM_022574.5:c.2052+2T>C; c.2052+2T>C (NM_001375760.1, NM_001375764.1, NM_001375766.1 and 6 more transcripts).
Identifiers: ClinVar variation 3377142 (VCV003377142.1).

ClinVar aggregate classification (germline): Likely pathogenic (1 of 4 stars; one submission).

Conditions:
Autism spectrum disorder. Also called: Autism spectrum disorders. Identifiers: MedGen C1510586, MeSH D000067877, MONDO:0005258.

Submission:

Victorian Clinical Genetics Services, Murdoch Childrens Research Institute
Classification: Likely pathogenic for Autism spectrum disorder. Last evaluated: 2024-10-09. Review status: criteria provided, single submitter. Criteria: ACMG Guidelines, 2015. Collection method: clinical testing. Allele origin: germline. Inheritance: Autosomal dominant inheritance. Affected: yes.
Comment: Based on the classification scheme VCGS_Germline_v1.3.4, this variant is classified as Likely pathogenic. Following criteria are met: 0102 - Loss of function is a suggested mechanism of disease in this gene and is associated with autism spectrum disorder (MONDO#0005258), GIGYF1-related (PMID: 35917186). (I) 0107 - This gene is associated with autosomal dominant disease. (I) 0112 - The condition associated with this gene has incomplete penetrance. A pathogenic variant in this gene has been reported to be inherited from unaffected parents in several families (PMID: 35917186). (I) 0211 - Canonical splice site variant without proven consequence on splicing (no functional evidence available). (SP) 0251 - This variant is heterozygous. (I) 0302 - Variant is present in gnomAD (v2) <0.001 for a dominant condition (1 heterozygote, 0 homozygotes). (SP) 0505 - Abnormal splicing is predicted by in silico tools (based on the MANE trasncript) and affected nucleotide is highly conserved. (SP) 0705 - No comparable splice site variants have previous evidence for pathogenicity. (I) 0807 - This variant has no previous evidence of pathogenicity. (I) 0905 - No published segregation evidence has been identified for this variant. (I) 1007 - No published functional evidence has been identified for this variant. (I)

Literature cited by the submitters: PubMed 35917186.